The following is an entry in ClinVar:

ClinVar aggregate classification (germline): Uncertain significance (1 of 4 stars; one submission).

Allele frequency attached by ClinVar (database versions not stated): TOPMed below 0.00001; gnomAD 0.00001; gnomAD exomes 0.00001; ExAC 0.00002.
gnomAD v4.1: 9 of 1,613,594 alleles (0.00056%); highest among the groups gnomAD compares: East Asian, 0.013%; no homozygotes.

Submission:

Labcorp Genetics (formerly Invitae), Labcorp
Classification: Uncertain significance. Last evaluated: 2022-04-30. Review status: criteria provided, single submitter. Criteria: Invitae Variant Classification Sherloc (09022015). Collection method: clinical testing. Allele origin: germline.
Comment: This sequence change replaces serine, which is neutral and polar, with cysteine, which is neutral and slightly polar, at codon 501 of the TRAF3IP1 protein (p.Ser501Cys). This variant is present in population databases (rs781336707, gnomAD 0.02%). This variant has not been reported in the literature in individuals affected with TRAF3IP1-related conditions. Algorithms developed to predict the effect of missense changes on protein structure and function are either unavailable or do not agree on the potential impact of this missense change (SIFT: "Tolerated"; PolyPhen-2: "Probably Damaging"; Align-GVGD: "Class C0"). In summary, the available evidence is currently insufficient to determine the role of this variant in disease. Therefore, it has been classified as a Variant of Uncertain Significance.

NM_015650.4(TRAF3IP1):c.1502C>G (p.Ser501Cys)

Gene: TRAF3IP1 (TRAF3 interacting protein 1; plus strand). Cytogenetic location: 2q37.3.
Variant type: single nucleotide variant.
Coding change: c.1502C>G on transcript NM_015650.4 (MANE Select); coding-DNA position 1502, C replaced by G.
Protein change: p.Ser501Cys; replaces serine 501 with cysteine.
Molecular consequence: missense variant.
Genome position (GRCh38, 1-based): chr2:238,352,877, C>G. VCF-style: chr2-238352877-C-G. GRCh37 (hg19) VCF-style: chr2-239261518-C-G.
Other names: c.1304C>G, p.Ser435Cys (NM_001139490.1); short protein forms S435C, S501C.
Identifiers: ClinVar variation 2200848 (VCV002200848.1), dbSNP rs781336707, ClinGen allele CA2198470.
Genomic context (GRCh38, chr2:238,352,877, plus strand): 5'-TTTTATTTAGGTCAGGGAGTGGTAAAACCGTTTCAAATGTGATTACAGAGTCACACAATT[C>G]TGACAATGAAGAGGATGATCAATTTGTGGTGGAAGCTGCCCCTCAGCTCTCTGAAATGTC-3'
Protein context (NP_056465.2, residues 491-511): VSNVITESHN[Ser501Cys]DNEEDDQFVV